The following is an entry in ClinVar:

NM_001378328.1(CELSR1):c.5931C>A (p.Asp1977Glu)

Gene: CELSR1 (cadherin EGF LAG seven-pass G-type receptor 1; minus strand). Cytogenetic location: 22q13.31.
Variant type: single nucleotide variant.
Coding change: c.5931C>A on transcript NM_001378328.1 (MANE Select); coding-DNA position 5931, C replaced by A.
Protein change: p.Asp1977Glu; replaces aspartic acid 1977 with glutamic acid.
Molecular consequence: missense variant.
Genome position (GRCh38, 1-based): chr22:46,394,175, G>T on the plus strand (C>A on the coding strand, the complement: CELSR1 is on the minus strand). VCF-style: chr22-46394175-G-T. GRCh37 (hg19) VCF-style: chr22-46790072-G-T.
Other names: c.5931C>A, p.Asp1977Glu (NM_014246.4); c.5931C>A (NM_014246.1); short protein forms D1977E.
Identifiers: ClinVar variation 3025709 (VCV003025709.23), dbSNP rs779099521, ClinGen allele CA10294028.

ClinVar aggregate classification (germline): Conflicting classifications of pathogenicity. Review status: criteria provided, conflicting classifications (1 of 4 stars). 2 submissions from 2 submitters: Uncertain significance (1); Likely benign (1). Last evaluated 2024-08-11.

Allele frequency attached by ClinVar (database versions not stated): gnomAD 0.00001; ExAC 0.00002; TOPMed 0.00002.
gnomAD v4.1: 25 of 1,614,020 alleles (0.0015%); highest among the groups gnomAD compares: Non-Finnish European, 0.0021%; no homozygotes.

Submissions (2):

Ambry Genetics
Classification: Uncertain significance. Last evaluated: 2024-08-11. Review status: criteria provided, single submitter. Criteria: Ambry Variant Classification Scheme 2023. Collection method: clinical testing. Allele origin: germline.

CeGaT Center for Human Genetics Tuebingen
Classification: Likely benign. Last evaluated: 2023-12-01. Review status: criteria provided, single submitter. Criteria: CeGaT Center For Human Genetics Tuebingen Variant Classification Criteria Version 2. Collection method: clinical testing. Allele origin: germline. Affected: yes. Observed: 1 variant allele.
Comment: CELSR1: BP4